The following is an entry in ClinVar:

NM_000268.4(NF2):c.68C>A (p.Thr23Asn)

Gene: NF2 (NF2, moesin-ezrin-radixin like (MERLIN) tumor suppressor; plus strand). Cytogenetic location: 22q12.2.
Variant type: single nucleotide variant.
Coding change: c.68C>A on transcript NM_000268.4 (MANE Select); coding-DNA position 68, C replaced by A.
Protein change: p.Thr23Asn; replaces threonine 23 with asparagine.
Molecular consequence: missense variant. On other transcripts: 5 prime UTR variant (4), non-coding transcript variant (1).
Genome position (GRCh38, 1-based): chr22:29,604,066, C>A. VCF-style: chr22-29604066-C-A. GRCh37 (hg19) VCF-style: chr22-30000055-C-A.
Other names: c.-163C>A (NM_001407053.1, NM_001407056.1); c.68C>A, p.Thr23Asn (NM_001407054.1, NM_001407055.1, NM_001407057.1 and 15 more transcripts); c.-573C>A (NM_001407065.1); c.-189C>A (NM_001407067.1); short protein forms T23N.
Identifiers: ClinVar variation 3919142 (VCV003919142.1).

ClinVar aggregate classification (germline): Uncertain significance (1 of 4 stars; one submission).

Conditions:
Hereditary cancer-predisposing syndrome. Also called: Hereditary Cancer Syndrome; Hereditary neoplastic syndrome; Neoplastic Syndromes, Hereditary; Tumor predisposition. Identifiers: Orphanet 140162, MedGen C0027672, MeSH D009386, MONDO:0015356.

gnomAD v4.1: 1 of 1,607,912 alleles (0.000062%); highest among the groups gnomAD compares: Non-Finnish European, 0.000085%; no homozygotes.

Submission:

Ambry Genetics
Classification: Uncertain significance for Hereditary cancer-predisposing syndrome. Last evaluated: 2025-04-17. Review status: criteria provided, single submitter. Criteria: Ambry Variant Classification Scheme 2023. Collection method: clinical testing. Allele origin: germline.
Comment: The p.T23N variant (also known as c.68C>A), located in coding exon 1 of the NF2 gene, results from a C to A substitution at nucleotide position 68. The threonine at codon 23 is replaced by asparagine, an amino acid with similar properties. This amino acid position is conserved. In addition, this alteration is predicted to be tolerated by in silico analysis. Based on the available evidence, the clinical significance of this variant remains unclear.